The following is an entry in ClinVar:

ClinVar aggregate classification (germline): Uncertain significance (1 of 4 stars; one submission).

Conditions:
Marfan syndrome (MFS). Also called: MARFAN SYNDROME, TYPE I; Marfan syndrome type 1; Marfan's syndrome; Marfan syndrome, classic; FBN1-Related Marfan Syndrome. Identifiers: Orphanet 284963, Orphanet 558, MedGen C0024796, MONDO:0007947, OMIM 154700.
Familial thoracic aortic aneurysm and aortic dissection (TAAD). Also called: Thoracic aortic aneurysms and dissections. Identifiers: Orphanet 91387, MedGen C4707243, MONDO:0019625.

Submission:

Labcorp Genetics (formerly Invitae), Labcorp
Classification: Uncertain significance for Marfan syndrome; Familial thoracic aortic aneurysm and aortic dissection. Last evaluated: 2020-11-11. Review status: criteria provided, single submitter. Criteria: Invitae Variant Classification Sherloc (09022015). Collection method: clinical testing. Allele origin: germline.
Comment: This sequence change replaces valine with leucine at codon 1555 of the FBN1 protein (p.Val1555Leu). The valine residue is highly conserved and there is a small physicochemical difference between valine and leucine. This variant is not present in population databases (ExAC no frequency). This variant has been observed in individual(s) with thoracic aortic aneurysm (Invitae). Algorithms developed to predict the effect of missense changes on protein structure and function (SIFT, PolyPhen-2, Align-GVGD) all suggest that this variant is likely to be tolerated, but these predictions have not been confirmed by published functional studies and their clinical significance is uncertain. In summary, the available evidence is currently insufficient to determine the role of this variant in disease. Therefore, it has been classified as a Variant of Uncertain Significance.

NM_000138.5(FBN1):c.4663G>C (p.Val1555Leu)

Gene: FBN1 (fibrillin 1; minus strand). Cytogenetic location: 15q21.1.
Variant type: single nucleotide variant.
Coding change: c.4663G>C on transcript NM_000138.5 (MANE Select); coding-DNA position 4663, G replaced by C.
Protein change: p.Val1555Leu; replaces valine 1555 with leucine.
Molecular consequence: missense variant.
Genome position (GRCh38, 1-based): chr15:48,468,022, C>G on the plus strand (G>C on the coding strand, the complement: FBN1 is on the minus strand). VCF-style: chr15-48468022-C-G. GRCh37 (hg19) VCF-style: chr15-48760219-C-G.
Other names: short protein forms V1555L.
Identifiers: ClinVar variation 1477978 (VCV001477978.8), dbSNP rs760055928, ClinGen allele CA392353018.
Genomic context (GRCh38, chr15:48,468,022, plus strand): 5'-CACAAGGAGTACCCCAGGCTTTACCCAGAGAACAGCAGCAGGAAGCTTTGGAAACACCAA[C>G]TCCAATTTCATTGCTGCAGGCTGTATCTCCATTGTCTCCTCGAGGTCGAATATCCAAATA-3'
Protein context (NP_000129.3, residues 1545-1565): GDTACSNEIG[Val1555Leu]GVSKASCCCS